The following is an entry in ClinVar:

NM_000583.4(GC):c.1364T>C (p.Ile455Thr)

Gene: GC (GC vitamin D binding protein; minus strand). Cytogenetic location: 4q13.3.
Variant type: single nucleotide variant.
Coding change: c.1364T>C on transcript NM_000583.4 (MANE Select); coding-DNA position 1364, T replaced by C.
Protein change: p.Ile455Thr; replaces isoleucine 455 with threonine.
Molecular consequence: missense variant.
Genome position (GRCh38, 1-based): chr4:71,752,549, A>G on the plus strand (T>C on the coding strand, the complement: GC is on the minus strand). VCF-style: chr4-71752549-A-G. GRCh37 (hg19) VCF-style: chr4-72618266-A-G.
Other names: c.1364T>C, p.Ile455Thr (NM_001204306.1); c.1421T>C, p.Ile474Thr (NM_001204307.1); short protein forms I455T, I474T.
Identifiers: ClinVar variation 3336646 (VCV003336646.1).

ClinVar aggregate classification (germline): no classifications from unflagged records (0 of 4 stars; one submission).

Conditions:
Chronic obstructive pulmonary disease. Also called: Chronic pulmonary obstruction. Identifiers: MedGen C0024117, MeSH D029424, MONDO:0005002, OMIM 606963, HP:0006510.

Submission:

Dr Mariam's Lab, University of the Punjab
Classification: Likely pathogenic for Chronic obstructive pulmonary disease. Review status: flagged submission. Collection method: case-control. Allele origin: germline. Affected: yes.
ClinVar note: Notes: This phenotype is not a monogenic disease. The terms P/LP are not appropriate.
ClinVar note: Reason: Other